The following is an entry in ClinVar:

ClinVar aggregate classification (germline): Uncertain significance. Review status: criteria provided, multiple submitters, no conflicts (2 of 4 stars). 2 submissions from 2 submitters: Uncertain significance (2). Last evaluated 2025-10-28.

Conditions:
Hereditary cancer-predisposing syndrome. Also called: Neoplastic Syndromes, Hereditary; Tumor predisposition; Hereditary neoplastic syndrome; Hereditary Cancer Syndrome. Identifiers: Orphanet 140162, MedGen C0027672, MeSH D009386, MONDO:0015356.

Allele frequency attached by ClinVar (database versions not stated): gnomAD 0.00001.
gnomAD v4.1: 1 of 1,613,990 alleles (0.000062%); highest among the groups gnomAD compares: African/African-American, 0.0013%; no homozygotes.

Submissions (2):

Ambry Genetics
Classification: Uncertain significance for Hereditary cancer-predisposing syndrome. Last evaluated: 2025-10-28. Review status: criteria provided, single submitter. Criteria: Ambry Variant Classification Scheme 2023. Collection method: clinical testing. Allele origin: germline.
Comment: The p.E1399G variant (also known as c.4196A>G), located in coding exon 33 of the POLE gene, results from an A to G substitution at nucleotide position 4196. The glutamic acid at codon 1399 is replaced by glycine, an amino acid with similar properties. This amino acid position is conserved. In addition, the in silico prediction for this alteration is inconclusive. Since supporting evidence is limited at this time, the clinical significance of this alteration remains unclear.

Labcorp Genetics (formerly Invitae), Labcorp
Classification: Uncertain significance. Last evaluated: 2024-08-20. Review status: criteria provided, single submitter. Criteria: Invitae Variant Classification Sherloc (09022015). Collection method: clinical testing. Allele origin: germline.
Comment: This sequence change replaces glutamic acid, which is acidic and polar, with glycine, which is neutral and non-polar, at codon 1399 of the POLE protein (p.Glu1399Gly). This variant is not present in population databases (gnomAD no frequency). This variant has not been reported in the literature in individuals affected with POLE-related conditions. ClinVar contains an entry for this variant (Variation ID: 1372141). Invitae Evidence Modeling of protein sequence and biophysical properties (such as structural, functional, and spatial information, amino acid conservation, physicochemical variation, residue mobility, and thermodynamic stability) has been performed for this missense variant. However, the output from this modeling did not meet the statistical confidence thresholds required to predict the impact of this variant on POLE protein function. In summary, the available evidence is currently insufficient to determine the role of this variant in disease. Therefore, it has been classified as a Variant of Uncertain Significance.

NM_006231.4(POLE):c.4196A>G (p.Glu1399Gly)

Gene: POLE (DNA polymerase epsilon, catalytic subunit; minus strand). Cytogenetic location: 12q24.33.
Variant type: single nucleotide variant.
Coding change: c.4196A>G on transcript NM_006231.4 (MANE Select); coding-DNA position 4196, A replaced by G.
Protein change: p.Glu1399Gly; replaces glutamic acid 1399 with glycine.
Molecular consequence: missense variant.
Genome position (GRCh38, 1-based): chr12:132,643,931, T>C on the plus strand (A>G on the coding strand, the complement: POLE is on the minus strand). VCF-style: chr12-132643931-T-C. GRCh37 (hg19) VCF-style: chr12-133220517-T-C.
Other names: short protein forms E1399G.
Identifiers: ClinVar variation 1372141 (VCV001372141.9), dbSNP rs2042215971, ClinGen allele CA387382320.